The following is an entry in ClinVar:

NM_017617.5(NOTCH1):c.2623C>A (p.Leu875Met)

Gene: NOTCH1 (notch receptor 1; minus strand). Cytogenetic location: 9q34.3.
Variant type: single nucleotide variant.
Coding change: c.2623C>A on transcript NM_017617.5 (MANE Select); coding-DNA position 2623, C replaced by A.
Protein change: p.Leu875Met; replaces leucine 875 with methionine.
Molecular consequence: missense variant.
Genome position (GRCh38, 1-based): chr9:136,510,770, G>T on the plus strand (C>A on the coding strand, the complement: NOTCH1 is on the minus strand). VCF-style: chr9-136510770-G-T. GRCh37 (hg19) VCF-style: chr9-139405222-G-T.
Other names: short protein forms L875M.
Identifiers: ClinVar variation 2814716 (VCV002814716.3), dbSNP rs2133353482, ClinGen allele CA375554998.
Genomic context (GRCh38, chr9:136,510,770, plus strand): 5'-AGTGGCAGCGGTAGCCGCCGTGGGTGTTCTGGCAGGATGCGCCGTGCCGGCACGGGCTCA[G>T]AACGCACTCGTTGATGTCGACCTCACAGGTCTGCCCTGCGGGGCAGGAGGAGGCCGGTTG-3'
Protein context (NP_060087.3, residues 865-885): TCEVDINECV[Leu875Met]SPCRHGASCQ

ClinVar aggregate classification (germline): Uncertain significance (1 of 4 stars; one submission).

Conditions:
Adams-Oliver syndrome 5 (AOS5). Identifiers: Orphanet 974, MedGen C4014970, MONDO:0014459, OMIM 616028.

Submission:

Labcorp Genetics (formerly Invitae), Labcorp
Classification: Uncertain significance for Adams-Oliver syndrome 5. Last evaluated: 2022-11-16. Review status: criteria provided, single submitter. Criteria: Invitae Variant Classification Sherloc (09022015). Collection method: clinical testing. Allele origin: germline.
Comment: This variant is not present in population databases (gnomAD no frequency). In summary, the available evidence is currently insufficient to determine the role of this variant in disease. Therefore, it has been classified as a Variant of Uncertain Significance. Advanced modeling of protein sequence and biophysical properties (such as structural, functional, and spatial information, amino acid conservation, physicochemical variation, residue mobility, and thermodynamic stability) performed at Invitae indicates that this missense variant is not expected to disrupt NOTCH1 protein function. This variant has not been reported in the literature in individuals affected with NOTCH1-related conditions. This sequence change replaces leucine, which is neutral and non-polar, with methionine, which is neutral and non-polar, at codon 875 of the NOTCH1 protein (p.Leu875Met).